The following is an entry in ClinVar:

ClinVar aggregate classification (germline): Uncertain significance (1 of 4 stars; one submission).

Submission:

ISCA site 4
Classification: Uncertain significance. Last evaluated: 2011-08-12. Review status: criteria provided, single submitter. Criteria: Kaminsky et al. (Genet Med. 2011). Collection method: clinical testing. Allele origin: de novo. Affected: yes. Observed: 1 variant allele.
Comment: Copy number variation identified through the course of routine clinical cytogenomic testing in postnatal populations. Clinical assertions have been curated as described in Kaminsky et al. 2011.

GRCh38/hg38 13q22.1(chr13:73764880-73913556)x1

Gene: KLF12 (KLF transcription factor 12; minus strand). Cytogenetic location: 13q22.1.
Variant type: copy number loss.
Change: copy number 1 (one copy instead of two) of chr13:73,764,880-73,913,556 (148.7 kb, GRCh38 coordinates, 1-based), cytogenetic band 13q22.1.
Identifiers: ClinVar variation 57322 (VCV000057322.1).